The following is an entry in ClinVar:

NM_004960.4(FUS):c.1561C>T (p.Arg521Cys)

Gene: FUS (FUS DNA/RNA binding protein; plus strand). Cytogenetic location: 16p11.2.
Variant type: single nucleotide variant.
Coding change: c.1561C>T on transcript NM_004960.4 (MANE Select); coding-DNA position 1561, C replaced by T.
Protein change: p.Arg521Cys; replaces arginine 521 with cysteine.
Molecular consequence: missense variant. On other transcripts: non-coding transcript variant (1).
Genome position (GRCh38, 1-based): chr16:31,191,418, C>T. VCF-style: chr16-31191418-C-T. GRCh37 (hg19) VCF-style: chr16-31202739-C-T.
Other names: c.1558C>T, p.Arg520Cys (NM_001170634.1); c.1549C>T, p.Arg517Cys (NM_001170937.1); short protein forms R521C, R517C, R520C.
Identifiers: ClinVar variation 16224 (VCV000016224.37), dbSNP rs121909668, ClinGen allele CA257441.

ClinVar aggregate classification (germline): Pathogenic. Review status: criteria provided, multiple submitters, no conflicts (2 of 4 stars). 9 submissions from 9 submitters: Pathogenic (6). 3 of the submissions do not count toward it. Last evaluated 2026-08-07.

Conditions:
Adult onset neurodegenerative disorder.
FUS-related disorder. Also called: FUS-related condition.
Amyotrophic lateral sclerosis type 6. Also called: FUS-Related Amyotrophic Laterial Sclerosis; Amyotrophic lateral sclerosis 6, with or without frontotemporal dementia; AMYOTROPHIC LATERAL SCLEROSIS 6 WITHOUT FRONTOTEMPORAL DEMENTIA. Identifiers: Orphanet 275872, Orphanet 803, MedGen C2931786, MONDO:0011951, OMIM 608030.
Tremor, hereditary essential, 4 (ETM4). Identifiers: MedGen C3539195, MONDO:0013888, OMIM 614782.

Allele frequency attached by ClinVar (database versions not stated): gnomAD exomes below 0.00001 and 0.00001; gnomAD 0.00001.
gnomAD v4.1: 3 of 1,608,588 alleles (0.00019%); highest among the groups gnomAD compares: African/African-American, 0.0027%; no homozygotes.

Submissions (9):

Genetics Laboratory, Great Ormond Street Hospital NHS Foundation Trust, North Thames Genomic Laboratory Hub
Classification: Pathogenic for Adult onset neurodegenerative disorder. Last evaluated: 2026-08-07. Review status: criteria provided, single submitter. Criteria: ACGS Best Practice Guidelines for Variant Classification in Rare Disease 2024 v1.2. Collection method: clinical testing. Allele origin: germline. Affected: yes.
Comment: PS4_moderate, PM5_moderate, PS3_strong, PM1_moderate, PP1_strong, PS2_moderate

PreventionGenetics, part of Exact Sciences
Classification: Pathogenic for FUS-related condition. Last evaluated: 2025-12-23. Review status: criteria provided, single submitter. Criteria: ACMG Guidelines, 2015. Collection method: clinical testing. Allele origin: germline.
Comment: The FUS c.1561C>T variant is predicted to result in the amino acid substitution p.Arg521Cys. This variant has been reported to segregate with disease in multiple families with amyotrophic lateral sclerosis (ALS; see, for example, Kwiatkowski et al. 2009. PubMed ID: 19251627; Vance et al. 2009. PubMed ID: 19251628; Blair et al. 2010. PubMed ID: 19965854). It was also reported de novo in an individual with ALS (Chiò et al. 2010. PubMed ID: 20598774). Experimental studies indicate this variant leads to mislocalization of the FUS protein to the cytoplasm (Vance et al. 2009. PubMed ID: 19251628; Lanson et al. 2011. PubMed ID: 21487023; Vance et al. 2013. PubMed ID: 23474818). This variant is located within the conserved C-terminal region of FUS, where missense change is not expected to be tolerated and is considered a hot spot for ALS-causing variants (Lattante et al. 2013. PubMed ID: 23559573). Different missense variants in the same codon (p.Arg521Ser, p.Arg521Gly, p.Arg521His, p.Arg521Leu) have been reported in individuals with ALS (Millecamps et al. 2010. PubMed ID: 20577002; Zou et al. 2012. PubMed ID: 22340366; Morgan et al. 2017. PubMed ID: 28430856). The c.1561C>T, p.Arg521Cys variant is reported in 0.0041% of alleles in individuals of African descent in gnomAD and is consistently classified as pathogenic in ClinVar (Variation ID: 16224). This variant is interpreted as pathogenic.

Labcorp Genetics (formerly Invitae), Labcorp
Classification: Pathogenic for Tremor, hereditary essential, 4; Amyotrophic lateral sclerosis type 6. Last evaluated: 2025-12-13. Review status: criteria provided, single submitter. Criteria: Invitae Variant Classification Sherloc (09022015). Collection method: clinical testing. Allele origin: germline.
Comment: This sequence change replaces arginine, which is basic and polar, with cysteine, which is neutral and slightly polar, at codon 521 of the FUS protein (p.Arg521Cys). This variant is present in population databases (rs121909668, gnomAD 0.004%). This missense change has been observed in individual(s) with amyotrophic lateral sclerosis (PMID: 19251627, 19251628, 20598774, 20621307; internal data). In at least one individual the variant was observed to be de novo. It has also been observed to segregate with disease in related individuals. ClinVar contains an entry for this variant (Variation ID: 16224). An algorithm developed to predict the effect of missense changes on protein structure and function (PolyPhen-2) suggests that this variant is likely to be disruptive. Experimental studies have shown that this missense change affects FUS function (PMID: 19251628, 21487023). Algorithms developed to predict the effect of sequence changes on RNA splicing suggest that this variant may disrupt the consensus splice site. This variant disrupts the p.Arg521 amino acid residue in FUS. Other variant(s) that disrupt this residue have been determined to be pathogenic (PMID: 19251627, 20577002, 20668259, 22055719; internal data). This suggests that this residue is clinically significant, and that variants that disrupt this residue are likely to be disease-causing. For these reasons, this variant has been classified as Pathogenic.

Athena Diagnostics
Classification: Pathogenic. Last evaluated: 2023-12-14. Review status: criteria provided, single submitter. Criteria: Athena Diagnostics Criteria. Collection method: clinical testing. Allele origin: unknown.
Comment: The frequency of this variant in the general population is consistent with pathogenicity. (Genome Aggregation Database (gnomAD), Cambridge, MA (URL)) This variant has been identified in multiple unrelated individuals with sporadic or familial amyotrophic lateral sclerosis, and has been reported to exhibit reduced penetrance in at least one family. At least one other missense variant at this codon is considered to be pathogenic or likely pathogenic. Assessment of experimental evidence suggests this variant results in abnormal protein function. (PMID: 21487023, 24509083, 29362359, 36833445)

CeGaT Center for Human Genetics Tuebingen
Classification: Pathogenic. Last evaluated: 2023-12-01. Review status: criteria provided, single submitter. Criteria: CeGaT Center For Human Genetics Tuebingen Variant Classification Criteria Version 2. Collection method: clinical testing. Allele origin: germline. Affected: yes. Observed: 1 variant allele.
Comment: FUS: PP1:Strong, PM1, PM5, PS2:Moderate, PS3:Moderate, PS4:Moderate

Revvity Omics, Revvity
Classification: Pathogenic. Last evaluated: 2020-04-03. Review status: criteria provided, single submitter. Criteria: ACMG Guidelines, 2015. Collection method: clinical testing. Allele origin: germline.

OMIM
Classification: Pathogenic for AMYOTROPHIC LATERAL SCLEROSIS 6 WITH OR WITHOUT FRONTOTEMPORAL DEMENTIA. Last evaluated: 2010-08-31. Review status: no assertion criteria provided. Collection method: literature only. Allele origin: germline. Not counted in ClinVar's aggregate classification.

Clinical Genetics DNA and cytogenetics Diagnostics Lab, Erasmus MC, Erasmus Medical Center
Classification: Pathogenic. Review status: no assertion criteria provided. Collection method: clinical testing. Allele origin: germline. Affected: yes. Study: VKGL Data-share Consensus. Not counted in ClinVar's aggregate classification.

Genome Diagnostics Laboratory, University Medical Center Utrecht
Classification: Pathogenic. Review status: no assertion criteria provided. Collection method: clinical testing. Allele origin: germline. Affected: yes. Study: VKGL Data-share Consensus. Not counted in ClinVar's aggregate classification.

Literature cited by the submitters: PubMed 19251627 (cited by 3 submitters); PubMed 19251628 (cited by 3 submitters); PubMed 20598774 (cited by Labcorp Genetics (formerly Invitae), Labcorp and Athena Diagnostics); PubMed 20621307 (cited by Labcorp Genetics (formerly Invitae), Labcorp); PubMed 21487023 (cited by Labcorp Genetics (formerly Invitae), Labcorp and Athena Diagnostics); PubMed 20577002 (cited by 3 submitters); PubMed 20668259 (cited by 3 submitters); PubMed 22055719 (cited by Labcorp Genetics (formerly Invitae), Labcorp); PubMed 28430856 (cited by Athena Diagnostics); PubMed 36105853 (cited by Athena Diagnostics); PubMed 36833445 (cited by Athena Diagnostics); PubMed 21128870 (cited by Athena Diagnostics); PubMed 20544928 (cited by Athena Diagnostics); PubMed 21604077 (cited by Athena Diagnostics); PubMed 20018407 (cited by Athena Diagnostics); PubMed 20142531 (cited by Athena Diagnostics); PubMed 19967541 (cited by Athena Diagnostics); PubMed 24509083 (cited by Athena Diagnostics); PubMed 29362359 (cited by Athena Diagnostics); PubMed 26035390 (cited by Athena Diagnostics); PubMed 19861302 (cited by Athena Diagnostics and OMIM); PubMed 12840784 (cited by OMIM).